The following is an entry in ClinVar:

ClinVar aggregate classification (germline): Pathogenic/Likely pathogenic. Review status: criteria provided, multiple submitters, no conflicts (2 of 4 stars). 5 submissions from 5 submitters: Pathogenic (3); Likely pathogenic (2). Last evaluated 2026-09-08.

Conditions:
ALG12-related disorder. Also called: ALG12-related condition.
ALG12-congenital disorder of glycosylation (CDG1G). Also called: CDG Ig; ALG12-CDG; Congenital disorder of glycosylation, type Ig. Identifiers: Orphanet 79324, MedGen C2931001, MONDO:0011783, OMIM 607143.

Allele frequency attached by ClinVar (database versions not stated): ExAC 0.00001; gnomAD exomes 0.00004 and 0.00010; gnomAD 0.00007; TOPMed 0.00009; ESP Exome Variant Server 0.00015.
gnomAD v4.1: 147 of 1,613,734 alleles (0.0091%); highest among the groups gnomAD compares: Non-Finnish European, 0.012%; no homozygotes.

Submissions (5):

PreventionGenetics, part of Exact Sciences
Classification: Pathogenic for ALG12-related condition. Last evaluated: 2026-09-08. Review status: criteria provided, single submitter. Criteria: ACMG Guidelines, 2015. Collection method: clinical testing. Allele origin: germline.
Comment: The ALG12 c.295+1G>A variant is predicted to disrupt the GT donor site and interfere with normal splicing. This variant was reported in an individual with congenital disorder of glycosylation 1g (Abu Bakar et al. 2022. PubMed ID: 35279850). This variant is reported in 0.0093% of alleles in individuals of European (Non-Finnish) descent in gnomAD. Variants that disrupt the consensus splice donor site in ALG12 are expected to be pathogenic. This variant is interpreted as pathogenic.

Labcorp Genetics (formerly Invitae), Labcorp
Classification: Likely pathogenic for ALG12-congenital disorder of glycosylation. Last evaluated: 2026-02-02. Review status: criteria provided, single submitter. Criteria: Invitae Variant Classification Sherloc (09022015). Collection method: clinical testing. Allele origin: germline.
Comment: This sequence change affects a donor splice site in intron 3 of the ALG12 gene. It is expected to disrupt RNA splicing. Variants that disrupt the donor or acceptor splice site typically lead to a loss of protein function (PMID: 16199547), and loss-of-function variants in ALG12 are known to be pathogenic (PMID: 15639192, 31481313). This variant is present in population databases (rs376314741, gnomAD 0.009%). Disruption of this splice site has been observed in individual(s) with ALG12-CDG (PMID: 35279850). ClinVar contains an entry for this variant (Variation ID: 862150). Algorithms developed to predict the effect of sequence changes on RNA splicing suggest that this variant may disrupt the consensus splice site. In summary, the currently available evidence indicates that the variant is pathogenic, but additional data are needed to prove that conclusively. Therefore, this variant has been classified as Likely Pathogenic.

GeneDx
Classification: Pathogenic. Last evaluated: 2025-04-11. Review status: criteria provided, single submitter. Criteria: GeneDx Variant Classification Process June 2021. Collection method: clinical testing. Allele origin: germline.
Comment: Canonical splice site variant predicted to result in a null allele in a gene for which loss of function is a known mechanism of disease; Not observed at significant frequency in large population cohorts (gnomAD); This variant is associated with the following publications: (PMID: 34313030, 33726816, 35279850)

Greenwood Genetic Center Diagnostic Laboratories, Greenwood Genetic Center
Classification: Pathogenic for ALG12-congenital disorder of glycosylation. Last evaluated: 2025-01-29. Review status: criteria provided, single submitter. Criteria: ACMG Guidelines, 2015. Collection method: clinical testing. Allele origin: germline. Affected: yes.
Comment: PVS1, PM2, PM3)

Fulgent Genetics
Classification: Likely pathogenic for ALG12-congenital disorder of glycosylation. Last evaluated: 2024-02-17. Review status: criteria provided, single submitter. Criteria: ACMG Guidelines, 2015. Collection method: clinical testing. Allele origin: germline.

Literature cited by the submitters: PubMed 16199547 (cited by Labcorp Genetics (formerly Invitae), Labcorp); PubMed 15639192 (cited by Labcorp Genetics (formerly Invitae), Labcorp); PubMed 31481313 (cited by Labcorp Genetics (formerly Invitae), Labcorp); PubMed 35279850 (cited by Labcorp Genetics (formerly Invitae), Labcorp).

NM_024105.4(ALG12):c.295+1G>A

Gene: ALG12 (ALG12 alpha-1,6-mannosyltransferase; minus strand). Cytogenetic location: 22q13.33.
Variant type: single nucleotide variant.
Coding change: c.295+1G>A on transcript NM_024105.4 (MANE Select); the canonical splice donor site of the intron after coding-DNA position 295, G replaced by A.
Molecular consequence: splice donor variant.
Genome position (GRCh38, 1-based): chr22:49,913,384, C>T on the plus strand (G>A on the coding strand, the complement: ALG12 is on the minus strand). VCF-style: chr22-49913384-C-T. GRCh37 (hg19) VCF-style: chr22-50307032-C-T.
Identifiers: ClinVar variation 862150 (VCV000862150.15), dbSNP rs376314741, ClinGen allele CA10300678.